The following is an entry in ClinVar:

ClinVar aggregate classification (germline): Uncertain significance (1 of 4 stars; one submission).

Submission:

Labcorp Genetics (formerly Invitae), Labcorp
Classification: Uncertain significance. Last evaluated: 2021-09-30. Review status: criteria provided, single submitter. Criteria: Invitae Variant Classification Sherloc (09022015). Collection method: clinical testing. Allele origin: germline.
Comment: This variant has not been reported in the literature in individuals affected with SPEG-related conditions. In summary, the available evidence is currently insufficient to determine the role of this variant in disease. Therefore, it has been classified as a Variant of Uncertain Significance. Algorithms developed to predict the effect of sequence changes on RNA splicing suggest that this variant may create or strengthen a splice site. Experimental studies and prediction algorithms are not available or were not evaluated, and the functional significance of this variant is currently unknown. This variant is not present in population databases (ExAC no frequency). This variant, c.8934_9128dup, results in the insertion of 65 amino acid(s) to the SPEG protein (p.Val2979_Gly3043dup), but otherwise preserves the integrity of the reading frame.

NM_005876.5(SPEG):c.8934_9128dup (p.Val2979_Gly3043dup)

Genes: ASIC4-AS1 (ASIC4 antisense RNA 1; minus strand), SPEG (striated muscle enriched protein kinase; plus strand). Cytogenetic location: 2q35.
Variant type: Duplication.
Coding change: c.8934_9128dup on transcript NM_005876.5 (MANE Select); coding-DNA positions 8934 to 9128, 195 bases duplicated.
Protein change: p.Val2979_Gly3043dup.
Molecular consequence: inframe insertion.
Genome position (GRCh38, 1-based): chr2:219,490,421-219,490,615, 195 bases duplicated. GRCh37 (hg19): chr2:220,355,143-220,355,337.
Identifiers: ClinVar variation 1368647 (VCV001368647.6), dbSNP rs2125597257, ClinGen allele CA2573135402.